The following is an entry in ClinVar:

ClinVar aggregate classification (germline): Pathogenic (1 of 4 stars; one submission).

Conditions:
X-linked Emery-Dreifuss muscular dystrophy. Also called: Muscular dystrophy, tardive Emery-Dreifuss type, with contractures. Identifiers: Orphanet 261, Orphanet 98863, MedGen C0751337, MONDO:0010680.

Submission:

Labcorp Genetics (formerly Invitae), Labcorp
Classification: Pathogenic for X-linked Emery-Dreifuss muscular dystrophy. Last evaluated: 2020-10-02. Review status: criteria provided, single submitter. Criteria: Invitae Variant Classification Sherloc (09022015). Collection method: clinical testing. Allele origin: germline.
Comment: This sequence change affects the initiator methionine of the EMD mRNA. The next in-frame methionine is located at codon 73. This variant is not present in population databases (ExAC no frequency). Disruption of the initiator codon has been observed in individual(s) with Emery-Dreifuss muscular dystrophy (PMID: 9266737, 10382909, 7894480). Algorithms developed to predict the effect of sequence changes on RNA splicing suggest that this variant may create or strengthen a splice site, but this prediction has not been confirmed by published transcriptional studies. For these reasons, this variant has been classified as Pathogenic.

Literature cited by the submitters: PubMed 9266737; PubMed 10382909; PubMed 7894480.

NM_000117.3(EMD):c.2T>G (p.Met1Arg)

Gene: EMD (emerin; plus strand). Cytogenetic location: Xq28.
Variant type: single nucleotide variant.
Coding change: c.2T>G on transcript NM_000117.3 (MANE Select); coding-DNA position 2, T replaced by G.
Protein change: p.Met1Arg; changes the start codon (methionine 1).
Molecular consequence: missense variant, initiator codon variant.
Genome position (GRCh38, 1-based): chrX:154,379,486, T>G. VCF-style: chrX-154379486-T-G. GRCh37 (hg19) VCF-style: chrX-153607846-T-G.
Other names: short protein forms M1R.
Identifiers: ClinVar variation 1074958 (VCV001074958.9), dbSNP rs2148127941, ClinGen allele CA415256769.